The following is an entry in ClinVar:

NM_032043.3(BRIP1):c.532A>C (p.Thr178Pro)

Gene: BRIP1 (BRCA1 interacting DNA helicase 1; minus strand). Cytogenetic location: 17q23.2.
Variant type: single nucleotide variant.
Coding change: c.532A>C on transcript NM_032043.3 (MANE Select); coding-DNA position 532, A replaced by C.
Protein change: p.Thr178Pro; replaces threonine 178 with proline.
Molecular consequence: missense variant.
Genome position (GRCh38, 1-based): chr17:61,847,196, T>G on the plus strand (A>C on the coding strand, the complement: BRIP1 is on the minus strand). VCF-style: chr17-61847196-T-G. GRCh37 (hg19) VCF-style: chr17-59924557-T-G.
Other names: short protein forms T178P.
Identifiers: ClinVar variation 2943565 (VCV002943565.3), dbSNP rs2545407357, ClinGen allele CA400483281.
Genomic context (GRCh38, chr17:61,847,196, plus strand): 5'-GAGAGTTGAGTTTTACAGTCTTTCCTGAATCAACTTTTGCATCCAAATTGTGTACTTCTG[T>G]TCCAAAGCAATGACGTTTTCTAATCTGTAAACACAGAACCAAAATGAAGTTTAAGGTGAA-3'
Protein context (NP_114432.2, residues 168-188): QQIRKRHCFG[Thr178Pro]EVHNLDAKVD

ClinVar aggregate classification (germline): Uncertain significance (1 of 4 stars; one submission).

Conditions:
Fanconi anemia complementation group J. Also called: BRIP1-Related Fanconi Anemia. Identifiers: Orphanet 84, MedGen C1836860, MONDO:0012187, OMIM 609054.
Familial cancer of breast. Also called: BREAST CANCER, FAMILIAL; Hereditary breast cancer; hereditary breast carcinoma. Identifiers: Orphanet 227535, MedGen C0346153, MONDO:0016419, OMIM 114480. Disease mechanism: loss of function.

Submission:

Labcorp Genetics (formerly Invitae), Labcorp
Classification: Uncertain significance for Familial cancer of breast; Fanconi anemia complementation group J. Last evaluated: 2023-01-24. Review status: criteria provided, single submitter. Criteria: Invitae Variant Classification Sherloc (09022015). Collection method: clinical testing. Allele origin: germline.
Comment: Advanced modeling of protein sequence and biophysical properties (such as structural, functional, and spatial information, amino acid conservation, physicochemical variation, residue mobility, and thermodynamic stability) performed at Invitae indicates that this missense variant is not expected to disrupt BRIP1 protein function. In summary, the available evidence is currently insufficient to determine the role of this variant in disease. Therefore, it has been classified as a Variant of Uncertain Significance. This variant has not been reported in the literature in individuals affected with BRIP1-related conditions. This variant is not present in population databases (gnomAD no frequency). This sequence change replaces threonine, which is neutral and polar, with proline, which is neutral and non-polar, at codon 178 of the BRIP1 protein (p.Thr178Pro).